The following is an entry in ClinVar:

NM_181507.2(HPS5):c.2370G>A (p.Ala790=)

Gene: HPS5 (HPS5 biogenesis of lysosomal organelles complex 2 subunit 2; minus strand). Cytogenetic location: 11p15.1.
Variant type: single nucleotide variant.
Coding change: c.2370G>A on transcript NM_181507.2 (MANE Select); coding-DNA position 2370, G replaced by A.
Protein change: p.Ala790=; no amino-acid change (alanine 790 retained).
Molecular consequence: synonymous variant.
Genome position (GRCh38, 1-based): chr11:18,291,512, C>T on the plus strand (G>A on the coding strand, the complement: HPS5 is on the minus strand). VCF-style: chr11-18291512-C-T. GRCh37 (hg19) VCF-style: chr11-18313059-C-T.
Other names: c.2028G>A, p.Ala676= (NM_007216.4, NM_181508.2).
Identifiers: ClinVar variation 435455 (VCV000435455.15), dbSNP rs757606601, ClinGen allele CA5909872.

ClinVar aggregate classification (germline): Likely benign. Review status: criteria provided, multiple submitters, no conflicts (2 of 4 stars). 3 submissions from 3 submitters: Likely benign (3). Last evaluated 2026-01-21.

Conditions:
HPS5-related disorder. Also called: HPS5-related condition.

Allele frequency attached by ClinVar (database versions not stated): ExAC 0.00002; gnomAD 0.00004; gnomAD exomes 0.00004 and 0.00007; TOPMed 0.00004.
gnomAD v4.1: 62 of 1,612,258 alleles (0.0038%); highest among the groups gnomAD compares: Admixed American, 0.033%; no homozygotes.

Submissions (3):

Labcorp Genetics (formerly Invitae), Labcorp
Classification: Likely benign. Last evaluated: 2026-01-21. Review status: criteria provided, single submitter. Criteria: Invitae Variant Classification Sherloc (09022015). Collection method: clinical testing. Allele origin: germline.

PreventionGenetics, part of Exact Sciences
Classification: Likely benign for HPS5-related condition. Last evaluated: 2025-07-11. Review status: criteria provided, single submitter. Criteria: ACMG Guidelines, 2015. Collection method: clinical testing. Allele origin: germline.
Comment: This variant is classified as likely benign based on ACMG/AMP sequence variant interpretation guidelines (Richards et al. 2015 PMID: 25741868, with internal and published modifications).

Genetic Services Laboratory, University of Chicago
Classification: Likely benign. Last evaluated: 2015-08-20. Review status: criteria provided, single submitter. Criteria: ACMG Guidelines, 2015. Collection method: clinical testing. Allele origin: germline. Affected: no.